The following is an entry in ClinVar:

NM_153033.5(KCTD7):c.824A>G (p.Tyr275Cys)

Gene: KCTD7 (potassium channel tetramerization domain containing 7; plus strand). Cytogenetic location: 7q11.21.
Variant type: single nucleotide variant.
Coding change: c.824A>G on transcript NM_153033.5 (MANE Select); coding-DNA position 824, A replaced by G.
Protein change: p.Tyr275Cys; replaces tyrosine 275 with cysteine.
Molecular consequence: missense variant.
Genome position (GRCh38, 1-based): chr7:66,639,186, A>G. VCF-style: chr7-66639186-A-G. GRCh37 (hg19) VCF-style: chr7-66104173-A-G.
Other names: c.824A>G, p.Tyr275Cys (NM_001167961.2); short protein forms Y275C.
Identifiers: ClinVar variation 1304793 (VCV001304793.2), dbSNP rs2116775809, ClinGen allele CA367697673.

ClinVar aggregate classification (germline): Uncertain significance (1 of 4 stars; one submission).

Allele frequency attached by ClinVar (database versions not stated): gnomAD exomes 0.00001.
gnomAD v4.1: 12 of 1,613,900 alleles (0.00074%); highest among the groups gnomAD compares: Non-Finnish European, 0.00093%; no homozygotes.

Submission:

GeneDx
Classification: Uncertain significance. Last evaluated: 2019-07-24. Review status: criteria provided, single submitter. Criteria: GeneDx Variant Classification Process June 2021. Collection method: clinical testing. Allele origin: germline. Affected: yes.
Comment: Not observed in large population cohorts (Lek et al., 2016); In silico analysis, which includes protein predictors and evolutionary conservation, supports that this variant does not alter protein structure/function; Has not been previously published as pathogenic or benign to our knowledge